The following is an entry in ClinVar:

NM_003482.4(KMT2D):c.14140A>T (p.Ile4714Phe)

Gene: KMT2D (lysine methyltransferase 2D; minus strand). Cytogenetic location: 12q13.12.
Variant type: single nucleotide variant.
Coding change: c.14140A>T on transcript NM_003482.4 (MANE Select); coding-DNA position 14140, A replaced by T.
Protein change: p.Ile4714Phe; replaces isoleucine 4714 with phenylalanine.
Molecular consequence: missense variant.
Genome position (GRCh38, 1-based): chr12:49,029,172, T>A on the plus strand (A>T on the coding strand, the complement: KMT2D is on the minus strand). VCF-style: chr12-49029172-T-A. GRCh37 (hg19) VCF-style: chr12-49422955-T-A.
Other names: short protein forms I4714F.
Identifiers: ClinVar variation 802850 (VCV000802850.5), dbSNP rs1592110609, ClinGen allele CA384697436.

ClinVar aggregate classification (germline): Likely benign. Review status: criteria provided, multiple submitters, no conflicts (2 of 4 stars). 2 submissions from 2 submitters: Likely benign (2). Last evaluated 2026-03-01.

Conditions:
Kabuki syndrome 1 (KABUK1). Also called: KMT2D-Related Kabuki Syndrome. Identifiers: Orphanet 2322, MedGen CN030661, MONDO:0007843, OMIM 147920.

Allele frequency attached by ClinVar (database versions not stated): gnomAD exomes below 0.00001.
gnomAD v4.1: 2 of 1,613,888 alleles (0.00012%); highest among the groups gnomAD compares: South Asian, 0.0022%; no homozygotes.

Submissions (2):

CeGaT Center for Human Genetics Tuebingen
Classification: Likely benign. Last evaluated: 2026-03-01. Review status: criteria provided, single submitter. Criteria: CeGaT Center For Human Genetics Tuebingen Variant Classification Criteria Version 2. Collection method: clinical testing. Allele origin: germline. Affected: yes. Observed: 1 variant allele.
Comment: KMT2D: BP4

Mendelics
Classification: Likely benign for Kabuki syndrome 1. Last evaluated: 2019-05-28. Review status: criteria provided, single submitter. Criteria: Mendelics Assertion Criteria 2017. Collection method: clinical testing. Allele origin: unknown.